The following is an entry in ClinVar:

ClinVar aggregate classification (germline): Pathogenic. Review status: reviewed by expert panel (3 of 4 stars). 3 submissions from 3 submitters: Pathogenic (1). 2 of the submissions do not count toward it. Last evaluated 2016-10-18.

Conditions:
Hereditary breast ovarian cancer syndrome. Also called: Hereditary breast and ovarian cancer syndrome (HBOC); Hereditary breast and ovarian cancer syndrome; Hereditary breast and ovarian cancer; Hereditary breast and/or ovarian cancer syndrome; Breast and ovarian cancer; BRCA1- and BRCA2-Associated Hereditary Breast and Ovarian Cancer. Identifiers: Orphanet 145, MedGen C0677776, MeSH D061325, MONDO:0003582. Disease mechanism: loss of function.
Breast-ovarian cancer, familial, susceptibility to, 1 (BROVCA1). Also called: OVARIAN CANCER, SUSCEPTIBILITY TO; BRCA1 Hereditary Breast and Ovarian Cancer. Identifiers: Orphanet 145, MedGen C2676676, MONDO:0011450, OMIM 604370. Disease mechanism: loss of function.

Submissions (3):

Evidence-based Network for the Interpretation of Germline Mutant Alleles (ENIGMA)
Classification: Pathogenic for Breast-ovarian cancer, familial, susceptibility to, 1. Last evaluated: 2016-10-18. Review status: reviewed by expert panel. Criteria: ENIGMA BRCA1/2 Classification Criteria (2015). Collection method: curation. Allele origin: germline.
Comment: Variant allele predicted to encode a truncated non-functional protein.

Consortium of Investigators of Modifiers of BRCA1/2 (CIMBA), c/o University of Cambridge
Classification: Pathogenic for Breast-ovarian cancer, familial, susceptibility to, 1. Last evaluated: 2015-10-02. Review status: criteria provided, single submitter. Criteria: CIMBA Mutation Classification guidelines May 2016. Collection method: clinical testing. Allele origin: germline. Not counted in ClinVar's aggregate classification.

Research Molecular Genetics Laboratory, Women's College Hospital, University of Toronto
Classification: Pathogenic for Hereditary breast ovarian cancer syndrome. Last evaluated: 2014-01-31. Review status: no assertion criteria provided. Collection method: research. Allele origin: germline. Affected: yes. Study: The Canadian Open Genetics Repository (COGR). Not counted in ClinVar's aggregate classification.

NM_007294.4(BRCA1):c.2518del (p.Ser840fs)

Gene: BRCA1 (BRCA1 DNA repair associated; minus strand). Cytogenetic location: 17q21.31.
Variant type: Deletion.
Coding change: c.2518del on transcript NM_007294.4 (MANE Select); coding-DNA position 2518, one base deleted (A; older notation c.2518delA).
Protein change: p.Ser840fs; shifts the reading frame from serine 840.
Molecular consequence: frameshift variant. On other transcripts: intron variant (137).
Genome position (GRCh38, 1-based): chr17:43,093,013, T deleted on the plus strand (A on the coding strand, the reverse complement: BRCA1 is on the minus strand). VCF-style (leftmost placement, unchanged base first): chr17-43093012-CT-C. GRCh37 (hg19) VCF-style: chr17-41245029-CT-C.
Other names: 2637delA; c.784+1731del (NM_001408407.1, NM_001408402.1, NM_001408473.1 and 13 more transcripts); c.664+1731del (NM_001408443.1, NM_001408439.1, NM_001408425.1 and 12 more transcripts); c.671-1981del (NM_001408419.1, NM_001408422.1, NM_001408418.1 and 2 more transcripts); c.787+1731del (NM_001408403.1, NM_001407983.1, NM_001407975.1 and 17 more transcripts); c.790+1728del (NM_001408406.1); c.646+1731del (NM_001408456.1, NM_001408410.1, NM_001408458.1 and 11 more transcripts); c.643+1731del (NM_001408465.1, NM_001408463.1, NM_001408462.1 and 3 more transcripts); and 42 more; short protein forms S793fs, S840fs, S544fs, S672fs, S752fs, S770fs, S814fs, S773fs.
Identifiers: ClinVar variation 54590 (VCV000054590.7), dbSNP rs397508975, ClinGen allele CA001669.